The following is an entry in ClinVar:

NM_003816.3(ADAM9):c.1546A>G (p.Met516Val)

Gene: ADAM9 (ADAM metallopeptidase domain 9; plus strand). Cytogenetic location: 8p11.22.
Variant type: single nucleotide variant.
Coding change: c.1546A>G on transcript NM_003816.3 (MANE Select); coding-DNA position 1546, A replaced by G.
Protein change: p.Met516Val; replaces methionine 516 with valine.
Molecular consequence: missense variant. On other transcripts: non-coding transcript variant (3).
Genome position (GRCh38, 1-based): chr8:39,055,727, A>G. VCF-style: chr8-39055727-A-G. GRCh37 (hg19) VCF-style: chr8-38913246-A-G.
Other names: short protein forms M516V.
Identifiers: ClinVar variation 841436 (VCV000841436.10), dbSNP rs774523542, ClinGen allele CA4721642.

ClinVar aggregate classification (germline): Uncertain significance. Review status: criteria provided, multiple submitters, no conflicts (2 of 4 stars). 3 submissions from 3 submitters: Uncertain significance (3). Last evaluated 2025-04-29.

Conditions:
Cone-rod dystrophy 9 (CORD9). Identifiers: Orphanet 1872, MedGen C1423873, MONDO:0013002, OMIM 612775.
Inborn genetic diseases. Identifiers: MedGen C0950123, MeSH D030342.

Allele frequency attached by ClinVar (database versions not stated): gnomAD exomes below 0.00001 and 0.00004; ExAC 0.00001; gnomAD 0.00001 and 0.00002; TOPMed 0.00001.
gnomAD v4.1: 68 of 1,613,574 alleles (0.0042%); highest among the groups gnomAD compares: Non-Finnish European, 0.0053%; no homozygotes.

Submissions (3):

Ambry Genetics
Classification: Uncertain significance for Inborn genetic diseases. Last evaluated: 2025-04-29. Review status: criteria provided, single submitter. Criteria: Ambry Variant Classification Scheme 2023. Collection method: clinical testing. Allele origin: germline.

Labcorp Genetics (formerly Invitae), Labcorp
Classification: Uncertain significance. Last evaluated: 2022-08-16. Review status: criteria provided, single submitter. Criteria: Invitae Variant Classification Sherloc (09022015). Collection method: clinical testing. Allele origin: germline.
Comment: In summary, the available evidence is currently insufficient to determine the role of this variant in disease. Therefore, it has been classified as a Variant of Uncertain Significance. Algorithms developed to predict the effect of missense changes on protein structure and function output the following: SIFT: "Tolerated"; PolyPhen-2: "Benign"; Align-GVGD: "Class C0". The valine amino acid residue is found in multiple mammalian species, which suggests that this missense change does not adversely affect protein function. ClinVar contains an entry for this variant (Variation ID: 841436). This variant has not been reported in the literature in individuals affected with ADAM9-related conditions. This variant is present in population databases (rs774523542, gnomAD 0.0009%). This sequence change replaces methionine, which is neutral and non-polar, with valine, which is neutral and non-polar, at codon 516 of the ADAM9 protein (p.Met516Val).

Illumina Laboratory Services, Illumina
Classification: Uncertain significance for Cone-rod dystrophy 9. Last evaluated: 2017-04-27. Review status: criteria provided, single submitter. Criteria: ICSL Variant Classification Criteria 13 December 2019. Collection method: clinical testing. Allele origin: germline.